The following is an entry in ClinVar:

NM_001130965.3(SUN1):c.728C>T (p.Ser243Leu)

Gene: SUN1 (Sad1 and UNC84 domain containing 1; plus strand). Cytogenetic location: 7p22.3.
Variant type: single nucleotide variant.
Coding change: c.728C>T on transcript NM_001130965.3 (MANE Select); coding-DNA position 728, C replaced by T.
Protein change: p.Ser243Leu; replaces serine 243 with leucine.
Molecular consequence: missense variant. On other transcripts: synonymous variant (1), non-coding transcript variant (3), intron variant (12).
Genome position (GRCh38, 1-based): chr7:851,453, C>T. VCF-style: chr7-851453-C-T. GRCh37 (hg19) VCF-style: chr7-891090-C-T.
Other names: c.728C>T, p.Ser243Leu (NM_001367633.1, NM_001367634.1, NM_001367653.1 and 3 more transcripts); c.382C>T, p.Arg128Trp (NM_001367635.1); c.971C>T, p.Ser324Leu (NM_001367636.1, NM_001367655.1, NM_001367666.1 and 1 more transcripts); c.839C>T, p.Ser280Leu (NM_001367638.1, NM_001367664.1, NM_001367685.1 and 1 more transcripts); c.272C>T, p.Ser91Leu (NM_001367639.1); c.1010C>T, p.Ser337Leu (NM_001367641.1, NM_001367682.1, NM_001367698.1); c.923C>T, p.Ser308Leu (NM_001367643.1, NM_001367693.1, NM_001367697.1); c.662C>T, p.Ser221Leu (NM_001367644.1, NM_001367680.1, NM_001367701.1); and 24 more; short protein forms R128W, S193L, S230L, S287L, S337L, S374L, S296L, S308L.
Identifiers: ClinVar variation 834701 (VCV000834701.11), dbSNP rs372849423, ClinGen allele CA4111897.

ClinVar aggregate classification (germline): Uncertain significance (1 of 4 stars; one submission).

Conditions:
Emery-Dreifuss muscular dystrophy (EDMD). Also called: Scapuloperoneal syndrome, X-linked (formerly); Humeroperoneal neuromuscular disease, (formerly). Identifiers: Orphanet 261, MedGen C0410189, MONDO:0016830.

Allele frequency attached by ClinVar (database versions not stated): gnomAD exomes 0.00004 and 0.00010; ExAC 0.00014; gnomAD 0.00044 and 0.00048; TOPMed 0.00050; ESP Exome Variant Server 0.00058.
gnomAD v4.1: 131 of 1,609,142 alleles (0.0081%); highest among the groups gnomAD compares: African/African-American, 0.15%; 1 homozygote.

Submission:

Labcorp Genetics (formerly Invitae), Labcorp
Classification: Uncertain significance for Emery-Dreifuss muscular dystrophy. Last evaluated: 2025-10-02. Review status: criteria provided, single submitter. Criteria: Invitae Variant Classification Sherloc (09022015). Collection method: clinical testing. Allele origin: germline.
Comment: This sequence change replaces serine, which is neutral and polar, with leucine, which is neutral and non-polar, at codon 243 of the SUN1 protein (p.Ser243Leu). This variant is present in population databases (rs372849423, gnomAD 0.1%), and has an allele count higher than expected for a pathogenic variant. This variant has not been reported in the literature in individuals affected with SUN1-related conditions. ClinVar contains an entry for this variant (Variation ID: 834701). An algorithm developed to predict the effect of missense changes on protein structure and function outputs the following: PolyPhen-2: "Benign". The leucine amino acid residue is found in multiple mammalian species, which suggests that this missense change does not adversely affect protein function. In summary, the available evidence is currently insufficient to determine the role of this variant in disease. Therefore, it has been classified as a Variant of Uncertain Significance.